The following is an entry in ClinVar:

ClinVar aggregate classification (germline): Uncertain significance (1 of 4 stars; one submission).

gnomAD v4.1: 2 of 1,613,176 alleles (0.00012%); highest among the groups gnomAD compares: Non-Finnish European, 0.00017%; no homozygotes.

Submission:

Labcorp Genetics (formerly Invitae), Labcorp
Classification: Uncertain significance. Last evaluated: 2021-11-06. Review status: criteria provided, single submitter. Criteria: Invitae Variant Classification Sherloc (09022015). Collection method: clinical testing. Allele origin: germline.
Comment: Algorithms developed to predict the effect of missense changes on protein structure and function are either unavailable or do not agree on the potential impact of this missense change (SIFT: "Tolerated"; PolyPhen-2: "Probably Damaging"; Align-GVGD: "Class C0"). This variant has not been reported in the literature in individuals affected with SBF1-related conditions. This variant is not present in population databases (gnomAD no frequency). This sequence change replaces proline, which is neutral and non-polar, with leucine, which is neutral and non-polar, at codon 40 of the SBF1 protein (p.Pro40Leu). In summary, the available evidence is currently insufficient to determine the role of this variant in disease. Therefore, it has been classified as a Variant of Uncertain Significance.

NM_002972.4(SBF1):c.119C>T (p.Pro40Leu)

Gene: SBF1 (SET binding factor 1; minus strand). Cytogenetic location: 22q13.33.
Variant type: single nucleotide variant.
Coding change: c.119C>T on transcript NM_002972.4 (MANE Select); coding-DNA position 119, C replaced by T.
Protein change: p.Pro40Leu; replaces proline 40 with leucine.
Molecular consequence: missense variant.
Genome position (GRCh38, 1-based): chr22:50,468,398, G>A on the plus strand (C>T on the coding strand, the complement: SBF1 is on the minus strand). VCF-style: chr22-50468398-G-A. GRCh37 (hg19) VCF-style: chr22-50906827-G-A.
Other names: c.119C>T, p.Pro40Leu (NM_001365819.1); short protein forms P40L.
Identifiers: ClinVar variation 1349764 (VCV001349764.6), dbSNP rs2148607318, ClinGen allele CA412224531.